The following is an entry in ClinVar:

ClinVar aggregate classification (germline): Conflicting classifications of pathogenicity. Review status: criteria provided, conflicting classifications (1 of 4 stars). 2 submissions from 2 submitters: Uncertain significance (1); Likely benign (1). Last evaluated 2024-09-20.

Conditions:
Immunodeficiency 47 (IMD47). Also called: IMMUNODEFICIENCY AND HEPATOPATHY WITH OR WITHOUT NEUROLOGIC FEATURES. Identifiers: Orphanet 692790, MedGen C4310819, MONDO:0010504, OMIM 300972.

Submissions (2):

3billion
Classification: Likely benign for Immunodeficiency 47. Last evaluated: 2024-09-20. Review status: criteria provided, single submitter. Criteria: ACMG Guidelines, 2015. Collection method: clinical testing. Allele origin: germline. Affected: no.
Comment: The hemizygous variant was found in patients diagnosed with another variant in a different gene, with no symptoms related to the gene containing the hemizygous variant.

Labcorp Genetics (formerly Invitae), Labcorp
Classification: Uncertain significance. Last evaluated: 2020-11-14. Review status: criteria provided, single submitter. Criteria: Invitae Variant Classification Sherloc (09022015). Collection method: clinical testing. Allele origin: germline.
Comment: This sequence change replaces serine with arginine at codon 98 of the ATP6AP1 protein (p.Ser98Arg). The serine residue is highly conserved and there is a moderate physicochemical difference between serine and arginine. This variant is not present in population databases (ExAC no frequency). This variant has not been reported in the literature in individuals with ATP6AP1-related conditions. Algorithms developed to predict the effect of missense changes on protein structure and function (SIFT, PolyPhen-2, Align-GVGD) all suggest that this variant is likely to be disruptive, but these predictions have not been confirmed by published functional studies and their clinical significance is uncertain. In summary, the available evidence is currently insufficient to determine the role of this variant in disease. Therefore, it has been classified as a Variant of Uncertain Significance.

NM_001183.6(ATP6AP1):c.294C>A (p.Ser98Arg)

Gene: ATP6AP1 (ATPase H+ transporting accessory protein 1; plus strand). Cytogenetic location: Xq28.
Variant type: single nucleotide variant.
Coding change: c.294C>A on transcript NM_001183.6 (MANE Select); coding-DNA position 294, C replaced by A.
Protein change: p.Ser98Arg; replaces serine 98 with arginine.
Molecular consequence: missense variant.
Genome position (GRCh38, 1-based): chrX:154,431,835, C>A. VCF-style: chrX-154431835-C-A. GRCh37 (hg19) VCF-style: chrX-153660181-C-A.
Other names: short protein forms S98R.
Identifiers: ClinVar variation 1058652 (VCV001058652.10), dbSNP rs2148223097, ClinGen allele CA415188894.